The following is an entry in ClinVar:

NM_001348716.2(KDM6B):c.497G>A (p.Arg166Gln)

Gene: KDM6B (lysine demethylase 6B; plus strand). Cytogenetic location: 17p13.1.
Variant type: single nucleotide variant.
Coding change: c.497G>A on transcript NM_001348716.2 (MANE Select); coding-DNA position 497, G replaced by A.
Protein change: p.Arg166Gln; replaces arginine 166 with glutamine.
Molecular consequence: missense variant.
Genome position (GRCh38, 1-based): chr17:7,846,440, G>A. VCF-style: chr17-7846440-G-A. GRCh37 (hg19) VCF-style: chr17-7749758-G-A.
Other names: c.497G>A, p.Arg166Gln (NM_001080424.2); short protein forms R166Q.
Identifiers: ClinVar variation 3372188 (VCV003372188.1).

ClinVar aggregate classification (germline): Uncertain significance (1 of 4 stars; one submission).

Submission:

GeneDx
Classification: Uncertain significance. Last evaluated: 2024-04-08. Review status: criteria provided, single submitter. Criteria: GeneDx Variant Classification Process June 2021. Collection method: clinical testing. Allele origin: germline. Affected: yes.
Comment: In silico analysis indicates that this missense variant does not alter protein structure/function; Has not been previously published as pathogenic or benign to our knowledge